The following is an entry in ClinVar:

NM_006739.4(MCM5):c.2111C>T (p.Pro704Leu)

Gene: MCM5 (minichromosome maintenance complex component 5; plus strand). Cytogenetic location: 22q12.3.
Variant type: single nucleotide variant.
Coding change: c.2111C>T on transcript NM_006739.4 (MANE Select); coding-DNA position 2111, C replaced by T.
Protein change: p.Pro704Leu; replaces proline 704 with leucine.
Molecular consequence: missense variant.
Genome position (GRCh38, 1-based): chr22:35,424,161, C>T. VCF-style: chr22-35424161-C-T. GRCh37 (hg19) VCF-style: chr22-35820154-C-T.
Other names: short protein forms P704L.
Identifiers: ClinVar variation 4697666 (VCV004697666.1).

ClinVar aggregate classification (germline): Uncertain significance (1 of 4 stars; one submission).

gnomAD v4.1: 66 of 1,549,738 alleles (0.0043%); highest among the groups gnomAD compares: South Asian, 0.0095%; no homozygotes.

Submission:

Labcorp Genetics (formerly Invitae), Labcorp
Classification: Uncertain significance. Last evaluated: 2025-10-21. Review status: criteria provided, single submitter. Criteria: Invitae Variant Classification Sherloc (09022015). Collection method: clinical testing. Allele origin: germline.
Comment: This sequence change replaces proline, which is neutral and non-polar, with leucine, which is neutral and non-polar, at codon 704 of the MCM5 protein (p.Pro704Leu). This variant is present in population databases (rs773861459, gnomAD 0.02%). This variant has not been reported in the literature in individuals affected with MCM5-related conditions. An algorithm developed to predict the effect of missense changes on protein structure and function (PolyPhen-2) suggests that this variant is likely to be tolerated. In summary, the available evidence is currently insufficient to determine the role of this variant in disease. Therefore, it has been classified as a Variant of Uncertain Significance.